The following is an entry in ClinVar:

ClinVar aggregate classification (germline): Benign. Review status: criteria provided, multiple submitters, no conflicts (2 of 4 stars). 2 submissions from 2 submitters: Benign (2). Last evaluated 2024-07-15.

Submissions (2):

Unidad de Genómica Garrahan, Hospital de Pediatría Garrahan
Classification: Benign. Last evaluated: 2024-07-15. Review status: criteria provided, single submitter. Criteria: ACMG Guidelines, 2015. Collection method: clinical testing. Allele origin: germline. Affected: no. Observed: 53 variant alleles.
Comment: This variant is classified as Benign based on local population frequency. This variant was detected in 57% of patients studied in a panel designed for Epileptic and Developmental Encephalopathy and Progressive Myoclonus Epilepsy. Number of patients: 53. Only high quality variants are reported.

GeneDx
Classification: Benign. Last evaluated: 2018-06-14. Review status: criteria provided, single submitter. Criteria: GeneDx Variant Classification (06012015). Collection method: clinical testing. Allele origin: germline. Affected: yes.
Comment: This variant is considered likely benign or benign based on one or more of the following criteria: it is a conservative change, it occurs at a poorly conserved position in the protein, it is predicted to be benign by multiple in silico algorithms, and/or has population frequency not consistent with disease.

NM_005548.3(KARS1):c.1253-77del

Gene: KARS1 (lysyl-tRNA synthetase 1; minus strand). Cytogenetic location: 16q23.1.
Variant type: Deletion.
Coding change: c.1253-77del on transcript NM_005548.3 (MANE Select); 77 bases into the intron before coding-DNA position 1253, one base deleted (C; older notation c.1253-77delC).
Molecular consequence: intron variant.
Genome position (GRCh38, 1-based): chr16:75,631,330, G deleted on the plus strand (C on the coding strand, the reverse complement: KARS1 is on the minus strand); the first of 3 consecutive G bases (chr16:75,631,330-75,631,332); deleting any one gives the same sequence. VCF-style (leftmost placement, unchanged base first): chr16-75631329-TG-T. GRCh37 (hg19) VCF-style: chr16-75665227-TG-T.
Other names: c.1337-77del (NM_001130089.2); c.785-77del (NM_001378148.1).
Identifiers: ClinVar variation 682040 (VCV000682040.3), dbSNP rs3214635, ClinGen allele CA284320754.